The following is an entry in ClinVar:

NM_001369.3(DNAH5):c.5338A>T (p.Met1780Leu)

Gene: DNAH5 (dynein axonemal heavy chain 5; minus strand). Cytogenetic location: 5p15.2.
Variant type: single nucleotide variant.
Coding change: c.5338A>T on transcript NM_001369.3 (MANE Select); coding-DNA position 5338, A replaced by T.
Protein change: p.Met1780Leu; replaces methionine 1780 with leucine.
Molecular consequence: missense variant.
Genome position (GRCh38, 1-based): chr5:13,841,838, T>A on the plus strand (A>T on the coding strand, the complement: DNAH5 is on the minus strand). VCF-style: chr5-13841838-T-A. GRCh37 (hg19) VCF-style: chr5-13841947-T-A.
Other names: short protein forms M1780L.
Identifiers: ClinVar variation 1354160 (VCV001354160.3), dbSNP rs369482173, ClinGen allele CA113947790.
Genomic context (GRCh38, chr5:13,841,838, plus strand): 5'-ATGAGGACTGAGATTCTTCCAAAAGAGAATTAAGCCAAACTTCCACATTGCCCTCTGCCA[T>A]GACAGGTTTATCCAATTCAATCGTCTCACCCTCTTGAGAGGAAATTGACAGAATTCGATC-3'
Protein context (NP_001360.1, residues 1770-1790): GETIELDKPV[Met1780Leu]AEGNVEVWLN

ClinVar aggregate classification (germline): Uncertain significance (1 of 4 stars; one submission).

Conditions:
Primary ciliary dyskinesia. Also called: Ciliary dyskinesia. Identifiers: Orphanet 244, MedGen C0008780, MONDO:0016575, HP:0012265.

Allele frequency attached by ClinVar (database versions not stated): ESP Exome Variant Server 0.00008.

Submission:

Labcorp Genetics (formerly Invitae), Labcorp
Classification: Uncertain significance for Primary ciliary dyskinesia. Last evaluated: 2021-09-27. Review status: criteria provided, single submitter. Criteria: Invitae Variant Classification Sherloc (09022015). Collection method: clinical testing. Allele origin: germline.
Comment: This sequence change replaces methionine with leucine at codon 1780 of the DNAH5 protein (p.Met1780Leu). The methionine residue is highly conserved and there is a small physicochemical difference between methionine and leucine. This variant is not present in population databases (ExAC no frequency). This variant has not been reported in the literature in individuals affected with DNAH5-related conditions. Advanced modeling of protein sequence and biophysical properties (such as structural, functional, and spatial information, amino acid conservation, physicochemical variation, residue mobility, and thermodynamic stability) performed at Invitae indicates that this missense variant is not expected to disrupt DNAH5 protein function. In summary, the available evidence is currently insufficient to determine the role of this variant in disease. Therefore, it has been classified as a Variant of Uncertain Significance.